The following is an entry in ClinVar:

NM_001009944.3(PKD1):c.359+2dup

Gene: PKD1 (polycystin 1, transient receptor potential channel interacting; minus strand). Cytogenetic location: 16p13.3.
Variant type: Duplication.
Coding change: c.359+2dup on transcript NM_001009944.3 (MANE Select); the canonical splice donor site of the intron after coding-DNA position 359, one base duplicated (T; older notation c.359+2dupT).
Molecular consequence: splice donor variant.
Genome position (GRCh38, 1-based): chr16:2,119,112, A duplicated on the plus strand (T on the coding strand, the reverse complement: PKD1 is on the minus strand). VCF-style (leftmost placement, unchanged base first): chr16-2119111-T-TA. GRCh37 (hg19) VCF-style: chr16-2169112-T-TA.
Other names: c.359+2dup (NM_000296.4); c.359+2dupT (NM_001009944.3).
Identifiers: ClinVar variation 3895652 (VCV003895652.1).

ClinVar aggregate classification (germline): Uncertain significance (1 of 4 stars; one submission).

Submission:

Women's Health and Genetics/Laboratory Corporation of America, LabCorp
Classification: Uncertain significance. Last evaluated: 2025-03-14. Review status: criteria provided, single submitter. Criteria: LabCorp Variant Classification Summary - May 2015. Collection method: clinical testing. Allele origin: germline.
Comment: Variant summary: PKD1 c.359+2dupT alters a conserved nucleotide located close to a canonical splice site and therefore could affect mRNA splicing, leading to a significantly altered protein sequence. Several computational tools predict a significant impact on normal splicing: Four predict the variant abolishes a 5' splicing donor site. However, these predictions have yet to be confirmed by functional studies. The variant was absent in 1218918 control chromosomes. The available data on variant occurrences in the general population are insufficient to allow any conclusion about variant significance. To our knowledge, no occurrence of c.359+2dupT in individuals affected with PKD1-Biallelic Autosomal Recessive Polycystic Kidney Disease and no experimental evidence demonstrating its impact on protein function have been reported. No submitters have cited clinical-significance assessments for this variant to ClinVar. Based on the evidence outlined above, the variant was classified as uncertain significance.